The following is an entry in ClinVar:

NM_001267550.2(TTN):c.84567T>A (p.Tyr28189Ter)

Genes: TTN-AS1 (TTN antisense RNA 1; plus strand), TTN (titin; minus strand). Cytogenetic location: 2q31.2.
Variant type: single nucleotide variant.
Coding change: c.84567T>A on transcript NM_001267550.2 (MANE Select); coding-DNA position 84567, T replaced by A.
Protein change: p.Tyr28189Ter; replaces tyrosine 28189 with a stop codon.
Molecular consequence: nonsense.
Genome position (GRCh38, 1-based): chr2:178,561,565, A>T on the plus strand (T>A on the coding strand, the complement: TTN is on the minus strand). VCF-style: chr2-178561565-A-T. GRCh37 (hg19) VCF-style: chr2-179426292-A-T.
Other names: c.79644T>A, p.Tyr26548Ter (NM_001256850.1); c.57372T>A, p.Tyr19124Ter (NM_003319.4); c.76863T>A, p.Tyr25621Ter (NM_133378.4); c.57747T>A, p.Tyr19249Ter (NM_133432.3); c.57948T>A, p.Tyr19316Ter (NM_133437.4); short protein forms Y19124*, Y19249*, Y19316*, Y25621*, Y26548*, Y28189*.
Identifiers: ClinVar variation 3757171 (VCV003757171.2).

ClinVar aggregate classification (germline): Likely pathogenic (1 of 4 stars; one submission).

Conditions:
Dilated cardiomyopathy 1G (CMD1G). Identifiers: Orphanet 154, MedGen C1858763, MONDO:0011400, OMIM 604145.
Autosomal recessive limb-girdle muscular dystrophy type 2J (LGMDR10). Also called: Limb-girdle muscular dystrophy, type 2J; MUSCULAR DYSTROPHY, LIMB-GIRDLE, AUTOSOMAL RECESSIVE 10. Identifiers: Orphanet 140922, MedGen C1837342, MONDO:0012127, OMIM 608807.

Submission:

Labcorp Genetics (formerly Invitae), Labcorp
Classification: Likely pathogenic for Dilated cardiomyopathy 1G; Autosomal recessive limb-girdle muscular dystrophy type 2J. Last evaluated: 2024-07-08. Review status: criteria provided, single submitter. Criteria: Invitae Variant Classification Sherloc (09022015). Collection method: clinical testing. Allele origin: germline.
Comment: This sequence change creates a premature translational stop signal (p.Tyr28189*) in the TTN gene. While this is not anticipated to result in nonsense mediated decay, it is expected to create a truncated TTN protein. This variant is not present in population databases (gnomAD no frequency). This variant has not been reported in the literature in individuals affected with TTN-related conditions. This variant is located in the A band of TTN (PMID: 25589632). Truncating variants in this region are significantly overrepresented in patients affected with dilated cardiomyopathy (PMID: 25589632). Truncating variants in this region have also been reported in individuals affected with autosomal recessive centronuclear myopathy (PMID: 23975875). In summary, the currently available evidence indicates that the variant is pathogenic, but additional data are needed to prove that conclusively. Therefore, this variant has been classified as Likely Pathogenic.

Literature cited by the submitters: PubMed 25589632; PubMed 23975875.